The following is an entry in ClinVar:

ClinVar aggregate classification (germline): Pathogenic (1 of 4 stars; one submission).

Conditions:
Ehlers-Danlos syndrome, classic type, 1 (EDSCL1). Also called: EHLERS-DANLOS SYNDROME, GRAVIS TYPE; EHLERS-DANLOS SYNDROME, SEVERE CLASSIC TYPE; Ehlers-Danlos syndrome, type 1; EDS I; Ehlers-Danlos Syndrome, Classic Type, COL5A1-Related. Identifiers: MedGen C0268335, MONDO:0019567, OMIM 130000.

Submission:

Labcorp Genetics (formerly Invitae), Labcorp
Classification: Pathogenic for Ehlers-Danlos syndrome, classic type, 1. Last evaluated: 2022-09-20. Review status: criteria provided, single submitter. Criteria: Invitae Variant Classification Sherloc (09022015). Collection method: clinical testing. Allele origin: germline.
Comment: This variant is not present in population databases (gnomAD no frequency). This sequence change creates a premature translational stop signal (p.Gly976Glufs*99) in the COL5A1 gene. It is expected to result in an absent or disrupted protein product. Loss-of-function variants in COL5A1 are known to be pathogenic (PMID: 23587214). This variant has not been reported in the literature in individuals affected with COL5A1-related conditions. For these reasons, this variant has been classified as Pathogenic.

Literature cited by the submitters: PubMed 23587214.

NM_000093.5(COL5A1):c.2925_2926dup (p.Gly976fs)

Gene: COL5A1 (collagen type V alpha 1 chain; plus strand). Cytogenetic location: 9q34.3.
Variant type: Duplication.
Coding change: c.2925_2926dup on transcript NM_000093.5 (MANE Select); coding-DNA positions 2925 to 2926, 2 bases duplicated (AG; older notation c.2925_2926dupAG).
Protein change: p.Gly976fs; shifts the reading frame from glycine 976.
Molecular consequence: frameshift variant.
Genome position (GRCh38, 1-based): chr9:134,798,434-134,798,435, AG duplicated. VCF-style (leftmost placement, unchanged base first): chr9-134798433-C-CAG. GRCh37 (hg19) VCF-style: chr9-137690279-C-CAG.
Other names: c.2925_2926dup, p.Gly976fs (NM_001278074.1); short protein forms G976fs.
Identifiers: ClinVar variation 2031431 (VCV002031431.4), dbSNP rs2490774017, ClinGen allele CA2580080018.